The following is an entry in ClinVar:

ClinVar aggregate classification (germline): Uncertain significance (1 of 4 stars; one submission).

Submission:

GeneDx
Classification: Uncertain significance. Last evaluated: 2026-09-12. Review status: criteria provided, single submitter. Criteria: GeneDx Variant Classification Process June 2021. Collection method: clinical testing. Allele origin: germline.
Comment: Reported in a patient with congenital heart disease, however this patient harbored variants in additional genes that could be contributing to their phenotype (PMID: 40127276); Not observed at significant frequency in large population cohorts (gnomAD); In silico analysis supports that this missense variant has a deleterious effect on protein structure/function; This variant is associated with the following publications: (PMID: 40127276)

NM_002471.4(MYH6):c.2092A>C (p.Asn698His)

Gene: MYH6 (myosin heavy chain 6; minus strand). Cytogenetic location: 14q11.2.
Variant type: single nucleotide variant.
Coding change: c.2092A>C on transcript NM_002471.4 (MANE Select); coding-DNA position 2092, A replaced by C.
Protein change: p.Asn698His; replaces asparagine 698 with histidine.
Molecular consequence: missense variant.
Genome position (GRCh38, 1-based): chr14:23,397,039, T>G on the plus strand (A>C on the coding strand, the complement: MYH6 is on the minus strand). VCF-style: chr14-23397039-T-G. GRCh37 (hg19) VCF-style: chr14-23866248-T-G.
Other names: short protein forms N698H.
Identifiers: ClinVar variation 3770067 (VCV003770067.2).